The following is an entry in ClinVar:

NM_007194.4(CHEK2):c.684-1dup

Gene: CHEK2 (checkpoint kinase 2; minus strand). Cytogenetic location: 22q12.1.
Variant type: Duplication.
Coding change: c.684-1dup on transcript NM_007194.4 (MANE Select); the canonical splice acceptor site of the intron before coding-DNA position 684, one base duplicated (G; older notation c.684-1dupG).
Molecular consequence: splice acceptor variant.
Genome position (GRCh38, 1-based): chr22:28,712,018, C duplicated on the plus strand (G on the coding strand, the reverse complement: CHEK2 is on the minus strand). VCF-style (leftmost placement, unchanged base first): chr22-28712017-A-AC. GRCh37 (hg19) VCF-style: chr22-29108005-A-AC.
Other names: c.21-1dup (NM_001437942.1, NM_001257387.3); c.483-1dup (NM_001349956.3); c.684-1dup (NM_145862.3); c.777-1dup (NM_001438295.1, NM_001438293.1); c.813-1dup (NM_001438294.1, NM_001005735.3).
Identifiers: ClinVar variation 2674025 (VCV002674025.1), dbSNP rs2517964892, ClinGen allele CA2695200102.
Genomic context (GRCh38, chr22:28,712,017, plus strand): 5'-TATGGCTACTTTCTTACATGTTTTCCTCTCGAAAGCCAGCTTTACCTCTCCACAGGCACC[A>AC]CTAGAGGGAAAAACAAAGATAGTGATTGTCTGAATGTTTTTAATTATGAGACCTACCACT-3'

ClinVar aggregate classification (germline): Likely pathogenic (1 of 4 stars; one submission).

Conditions:
Familial cancer of breast. Also called: Hereditary breast cancer; BREAST CANCER, FAMILIAL; hereditary breast carcinoma. Identifiers: Orphanet 227535, MedGen C0346153, MONDO:0016419, OMIM 114480. Disease mechanism: loss of function.

Submission:

Myriad Genetics, Inc.
Classification: Likely pathogenic for Familial cancer of breast. Last evaluated: 2023-12-06. Review status: criteria provided, single submitter. Criteria: Myriad Autosomal Dominant, Autosomal Recessive and X-Linked Classification Criteria (2023). Collection method: clinical testing. Allele origin: unknown.
Comment: This variant is considered likely pathogenic. This variant occurs within a consensus splice junction and is predicted to result in abnormal mRNA splicing of either an out-of-frame exon or an in-frame exon necessary for protein stability and/or normal function.